The following is an entry in ClinVar:

NM_001903.5(CTNNA1):c.588+9A>G

Gene: CTNNA1 (catenin alpha 1; plus strand). Cytogenetic location: 5q31.2.
Variant type: single nucleotide variant.
Coding change: c.588+9A>G on transcript NM_001903.5 (MANE Select); 9 bases into the intron after coding-DNA position 588, A replaced by G.
Molecular consequence: intron variant.
Genome position (GRCh38, 1-based): chr5:138,812,311, A>G. VCF-style: chr5-138812311-A-G. GRCh37 (hg19) VCF-style: chr5-138148000-A-G.
Other names: c.588+9A>G (NM_001323982.2, NM_001323984.2, NM_001290307.3 and 4 more transcripts); c.219+9A>G (NM_001290310.3); c.279+9A>G (NM_001290309.3).
Identifiers: ClinVar variation 1556375 (VCV001556375.11), dbSNP rs1246262618, ClinGen allele CA804568231.
Genomic context (GRCh38, chr5:138,812,311, plus strand): 5'-CCTAAAACCTGAAGTGGATAAGCTGAACATTATGGCAGCCAAAAGACAACAGGTACAGTC[A>G]TGATTTGGGGATATATTAAAGTTGTTCATTTTACTATCTAGAGGGAAAAACTCATTCTGT-3'

ClinVar aggregate classification (germline): Likely benign. Review status: criteria provided, multiple submitters, no conflicts (2 of 4 stars). 3 submissions from 3 submitters: Likely benign (2). 1 of the submissions does not count toward it. Last evaluated 2025-03-19.

Conditions:
CTNNA1-related disorder. Also called: CTNNA1-related condition.
Hereditary diffuse gastric adenocarcinoma (HDGC). Also called: DIFFUSE GASTRIC AND LOBULAR BREAST CANCER SYNDROME. Identifiers: Orphanet 26106, MedGen C1708349, MONDO:0007648, OMIM 137215.

Allele frequency attached by ClinVar (database versions not stated): TOPMed below 0.00001; gnomAD 0.00001.
gnomAD v4.1: 1 of 1,608,190 alleles (0.000062%); highest among the groups gnomAD compares: African/African-American, 0.0013%; no homozygotes.

Submissions (3):

Labcorp Genetics (formerly Invitae), Labcorp
Classification: Likely benign. Last evaluated: 2025-03-19. Review status: criteria provided, single submitter. Criteria: Invitae Variant Classification Sherloc (09022015). Collection method: clinical testing. Allele origin: germline.

Myriad Genetics, Inc.
Classification: Likely benign for Hereditary diffuse gastric adenocarcinoma. Last evaluated: 2024-10-10. Review status: criteria provided, single submitter. Criteria: Myriad Autosomal Dominant, Autosomal Recessive and X-Linked Classification Criteria (2023). Collection method: clinical testing. Allele origin: unknown.
Comment: This variant is considered likely benign. This variant is intronic and is not expected to impact mRNA splicing.

PreventionGenetics, part of Exact Sciences
Classification: Likely benign for CTNNA1-related condition. Last evaluated: 2022-08-11. Review status: no assertion criteria provided. Collection method: clinical testing. Allele origin: germline. Not counted in ClinVar's aggregate classification.
Comment: This variant is classified as likely benign based on ACMG/AMP sequence variant interpretation guidelines (Richards et al. 2015 PMID: 25741868, with internal and published modifications).